The following is an entry in ClinVar:

NM_000191.3(HMGCL):c.60_60+18del

Gene: HMGCL (3-hydroxy-3-methylglutaryl-CoA lyase; minus strand). Cytogenetic location: 1p36.11.
Variant type: Deletion.
Coding change: c.60_60+18del on transcript NM_000191.3 (MANE Select); coding-DNA position 60 through 18 bases into the intron after coding-DNA position 60, 19 bases deleted (TGTAAGTGCCCCGAGCCGC).
Molecular consequence: splice donor variant.
Genome position (GRCh38, 1-based): chr1:23,825,338-23,825,356, GCGGCTCGGGGCACTTACA deleted on the plus strand (TGTAAGTGCCCCGAGCCGC on the coding strand, the reverse complement: HMGCL is on the minus strand); deleting any 19 consecutive bases within chr1:23,825,338-23,825,358 gives the same sequence; the c. name uses the placement nearest the transcript's 3' end. VCF-style (leftmost placement, unchanged base first): chr1-23825337-GGCGGCTCGGGGCACTTACA-G. GRCh37 (hg19) VCF-style: chr1-24151827-GGCGGCTCGGGGCACTTACA-G.
Other names: c.60_60+18del (NM_001166059.2).
Identifiers: ClinVar variation 3639081 (VCV003639081.2).

ClinVar aggregate classification (germline): Likely pathogenic (1 of 4 stars; one submission).

Conditions:
Deficiency of hydroxymethylglutaryl-CoA lyase (HMGCLD). Also called: HMGCL DEFICIENCY; HYDROXYMETHYLGLUTARIC ACIDURIA; Defect in leucine metabolism; 3-hydroxy-3-methylglutaric aciduria; HMG-CoA LYASE DEFICIENCY. Identifiers: Orphanet 20, MedGen C1533587, MONDO:0009520, OMIM 246450.

Submission:

Labcorp Genetics (formerly Invitae), Labcorp
Classification: Likely pathogenic for Deficiency of hydroxymethylglutaryl-CoA lyase. Last evaluated: 2024-02-06. Review status: criteria provided, single submitter. Criteria: Invitae Variant Classification Sherloc (09022015). Collection method: clinical testing. Allele origin: germline.
Comment: This variant results in the deletion of part of exon 1 (c.60_60+18del) of the HMGCL gene. It is expected to disrupt RNA splicing. Variants that disrupt the donor or acceptor splice site typically lead to a loss of protein function (PMID: 16199547), and loss-of-function variants in HMGCL are known to be pathogenic (PMID: 9817922, 17692550, 23465862). This variant is not present in population databases (gnomAD no frequency). This variant has not been reported in the literature in individuals affected with HMGCL-related conditions. In summary, the currently available evidence indicates that the variant is pathogenic, but additional data are needed to prove that conclusively. Therefore, this variant has been classified as Likely Pathogenic.

Literature cited by the submitters: PubMed 16199547; PubMed 9817922; PubMed 17692550; PubMed 23465862.